The following is an entry in ClinVar:

NM_001267550.2(TTN):c.3201T>C (p.Thr1067=)

Gene: TTN (titin; minus strand). Cytogenetic location: 2q31.2.
Variant type: single nucleotide variant.
Coding change: c.3201T>C on transcript NM_001267550.2 (MANE Select); coding-DNA position 3201, T replaced by C.
Protein change: p.Thr1067=; no amino-acid change (threonine 1067 retained).
Molecular consequence: synonymous variant.
Genome position (GRCh38, 1-based): chr2:178,782,391, A>G on the plus strand (T>C on the coding strand, the complement: TTN is on the minus strand). VCF-style: chr2-178782391-A-G. GRCh37 (hg19) VCF-style: chr2-179647118-A-G.
Other names: c.3201T>C, p.Thr1067= (NM_133378.4, NM_001256850.1, NM_133379.5); c.3063T>C, p.Thr1021= (NM_003319.4, NM_133432.3, NM_133437.4).
Identifiers: ClinVar variation 228087 (VCV000228087.13), dbSNP rs876657603, ClinGen allele CA10576578.

ClinVar aggregate classification (germline): Likely benign. Review status: criteria provided, multiple submitters, no conflicts (2 of 4 stars). 2 submissions from 2 submitters: Likely benign (2). Last evaluated 2025-10-02.

Conditions:
Autosomal recessive limb-girdle muscular dystrophy type 2J (LGMDR10). Also called: Limb-girdle muscular dystrophy, type 2J; MUSCULAR DYSTROPHY, LIMB-GIRDLE, AUTOSOMAL RECESSIVE 10. Identifiers: Orphanet 140922, MedGen C1837342, MONDO:0012127, OMIM 608807.
Dilated cardiomyopathy 1G (CMD1G). Identifiers: Orphanet 154, MedGen C1858763, MONDO:0011400, OMIM 604145.

Allele frequency attached by ClinVar (database versions not stated): gnomAD 0.00001; TOPMed 0.00002.
gnomAD v4.1: 2 of 1,613,988 alleles (0.00012%); highest among the groups gnomAD compares: African/African-American, 0.0027%; no homozygotes.

Submissions (2):

Labcorp Genetics (formerly Invitae), Labcorp
Classification: Likely benign for Dilated cardiomyopathy 1G; Autosomal recessive limb-girdle muscular dystrophy type 2J. Last evaluated: 2025-10-02. Review status: criteria provided, single submitter. Criteria: Invitae Variant Classification Sherloc (09022015). Collection method: clinical testing. Allele origin: germline.

Laboratory for Molecular Medicine, Mass General Brigham Personalized Medicine
Classification: Likely benign. Last evaluated: 2012-03-19. Review status: criteria provided, single submitter. Criteria: LMM Criteria. Collection method: clinical testing. Allele origin: germline. Observed: 1 variant allele.
Comment: p.Thr1067Thr in exon 20 of TTN: This variant is not expected to have clinical si gnificance because it does not alter an amino acid residue and is not located wi thin the splice consensus sequence. It has been identified in 1/3738 African Ame rican chromosomes from a broad population by the NHLBI Exome Sequencing Project.